The following is an entry in ClinVar:

NM_007294.4(BRCA1):c.5218G>C (p.Val1740Leu)

Gene: BRCA1 (BRCA1 DNA repair associated; minus strand). Cytogenetic location: 17q21.31.
Variant type: single nucleotide variant.
Coding change: c.5218G>C on transcript NM_007294.4 (MANE Select); coding-DNA position 5218, G replaced by C.
Protein change: p.Val1740Leu; replaces valine 1740 with leucine.
Molecular consequence: missense variant. On other transcripts: non-coding transcript variant (1).
Genome position (GRCh38, 1-based): chr17:43,057,111, C>G on the plus strand (G>C on the coding strand, the complement: BRCA1 is on the minus strand). VCF-style: chr17-43057111-C-G. GRCh37 (hg19) VCF-style: chr17-41209128-C-G.
Other names: c.5005G>C, p.Val1669Leu (NM_001407571.1, NM_001407900.1, NM_001407902.1 and 12 more transcripts); c.5284G>C, p.Val1762Leu (NM_001407581.1, NM_001407582.1); c.5281G>C, p.Val1761Leu (NM_001407583.1, NM_001407585.1, NM_001407587.1 and 1 more transcripts); c.5215G>C, p.Val1739Leu (NM_001407610.1, NM_001407611.1, NM_001407612.1 and 17 more transcripts); c.5212G>C, p.Val1738Leu (NM_001407629.1, NM_001407630.1, NM_001407631.1 and 14 more transcripts); c.5158G>C, p.Val1720Leu (NM_001407649.1); c.5140G>C, p.Val1714Leu (NM_001407652.1, NM_001407653.1, NM_001407654.1 and 1 more transcripts); c.5137G>C, p.Val1713Leu (NM_001407656.1, NM_001407657.1, NM_001407658.1); and 72 more; short protein forms V1740L, V1693L, V1761L, V636L, V1586L, V1669L, V1670L, V1671L.
Identifiers: ClinVar variation 867857 (VCV000867857.4), dbSNP rs2051520551, ClinGen allele CA10591106.
Genomic context (GRCh38, chr17:43,057,111, plus strand): 5'-CCTTTCTGTCCTGGGATTCTCTTGCTCGCTTTGGACCTTGGTGGTTTCTTCCATTGACCA[C>G]ATCTCCTCTGACTTCAAAATCATGCTGAAAGAAACCAAACACAACCCATCAGGATAAGAG-3'
Protein context (NP_009225.1, residues 1730-1750): NEHDFEVRGD[Val1740Leu]VNGRNHQGPK

ClinVar aggregate classification (germline): Uncertain significance (1 of 4 stars; one submission).

Conditions:
Breast-ovarian cancer, familial, susceptibility to, 1 (BROVCA1). Also called: BRCA1 Hereditary Breast and Ovarian Cancer; OVARIAN CANCER, SUSCEPTIBILITY TO. Identifiers: Orphanet 145, MedGen C2676676, MONDO:0011450, OMIM 604370. Disease mechanism: loss of function.

Submissions (2):

Baylor Genetics
Classification: Uncertain significance for Breast-ovarian cancer, familial, susceptibility to, 1. Last evaluated: 2024-01-22. Review status: criteria provided, single submitter. Criteria: ACMG Guidelines, 2015. Collection method: clinical testing. Allele origin: unknown.

Brotman Baty Institute, University of Washington
No classification provided (evidence only). Condition: Breast-ovarian cancer, familial 1. Review status: no classification provided. Collection method: in vitro. Allele origin: not applicable. Functional consequence: functionally_normal. Not counted in ClinVar's aggregate classification.
ClinVar note: "not provided" was previously submitted as the classification for the variant. However, the classification appeared to be based only on an observation of functional data so it was converted to no classification on 2025-07-30.